The following is an entry in ClinVar:

ClinVar aggregate classification (germline): Uncertain significance. Review status: criteria provided, multiple submitters, no conflicts (2 of 4 stars). 2 submissions from 2 submitters: Uncertain significance (2). Last evaluated 2026-04-14.

Conditions:
Inborn genetic diseases. Identifiers: MedGen C0950123, MeSH D030342.

Submissions (2):

Ambry Genetics
Classification: Uncertain significance for Inborn genetic diseases. Last evaluated: 2026-04-14. Review status: criteria provided, single submitter. Criteria: Ambry Variant Classification Scheme 2023. Collection method: clinical testing. Allele origin: germline.

GeneDx
Classification: Uncertain significance. Last evaluated: 2022-01-21. Review status: criteria provided, single submitter. Criteria: GeneDx Variant Classification Process June 2021. Collection method: clinical testing. Allele origin: germline. Affected: yes.
Comment: Not observed at significant frequency in large population cohorts (gnomAD); In silico analysis supports that this missense variant has a deleterious effect on protein structure/function; Has not been previously published as pathogenic or benign to our knowledge

NM_004700.4(KCNQ4):c.1453T>C (p.Phe485Leu)

Gene: KCNQ4 (potassium voltage-gated channel subfamily Q member 4; plus strand). Cytogenetic location: 1p34.2.
Variant type: single nucleotide variant.
Coding change: c.1453T>C on transcript NM_004700.4 (MANE Select); coding-DNA position 1453, T replaced by C.
Protein change: p.Phe485Leu; replaces phenylalanine 485 with leucine.
Molecular consequence: missense variant.
Genome position (GRCh38, 1-based): chr1:40,831,244, T>C. VCF-style: chr1-40831244-T-C. GRCh37 (hg19) VCF-style: chr1-41296916-T-C.
Other names: c.1291T>C, p.Phe431Leu (NM_172163.3); short protein forms F431L, F485L.
Identifiers: ClinVar variation 1698344 (VCV001698344.3), dbSNP rs2148329934, ClinGen allele CA339886789.
Genomic context (GRCh38, chr1:40,831,244, plus strand): 5'-CCAAGCAGCGAGCAGGTGGGTGAGGCCACCAGCCCCACCAAGGTGCAAAAGAGCTGGAGC[T>C]TCAATGACCGCACCCGCTTCCGGGCATCTCTGAGACTCAAACCCCGCACCTCTGCTGAGG-3'
Protein context (NP_004691.2, residues 475-495): SPTKVQKSWS[Phe485Leu]NDRTRFRASL